The following is an entry in ClinVar:

NM_138459.5(NUS1):c.844C>T (p.Arg282Cys)

Gene: NUS1 (NUS1 dehydrodolichyl diphosphate synthase subunit; plus strand). Cytogenetic location: 6q22.1.
Variant type: single nucleotide variant.
Coding change: c.844C>T on transcript NM_138459.5 (MANE Select); coding-DNA position 844, C replaced by T.
Protein change: p.Arg282Cys; replaces arginine 282 with cysteine.
Molecular consequence: missense variant.
Genome position (GRCh38, 1-based): chr6:117,706,977, C>T. VCF-style: chr6-117706977-C-T. GRCh37 (hg19) VCF-style: chr6-118028140-C-T.
Other names: c.844C>T (NM_138459.3); short protein forms R282C.
Identifiers: ClinVar variation 1488415 (VCV001488415.9), dbSNP rs150953098, ClinGen allele CA3977215.

ClinVar aggregate classification (germline): Uncertain significance. Review status: criteria provided, multiple submitters, no conflicts (2 of 4 stars). 4 submissions from 4 submitters: Uncertain significance (4). Last evaluated 2025-12-13.

Conditions:
Inborn genetic diseases. Identifiers: MedGen C0950123, MeSH D030342.
NUS1-related disorder. Also called: NUS1-related condition; NUS1-Related Disorders. Identifiers: MedGen CN382504, MONDO:1060287.
Congenital disorder of glycosylation, type Iaa. Also called: Congenital disorder of glycosylation, type 1aa. Identifiers: MedGen C4310727, MONDO:0014904, OMIM 617082.

Allele frequency attached by ClinVar (database versions not stated): gnomAD exomes 0.00004; ExAC 0.00007; ESP Exome Variant Server 0.00008; gnomAD 0.00011 and 0.00012; 1000 Genomes Project 30x 0.00016; 1000 Genomes Project 0.00020.

Submissions (4):

Labcorp Genetics (formerly Invitae), Labcorp
Classification: Uncertain significance for Congenital disorder of glycosylation, type Iaa. Last evaluated: 2025-12-13. Review status: criteria provided, single submitter. Criteria: Invitae Variant Classification Sherloc (09022015). Collection method: clinical testing. Allele origin: germline.
Comment: This sequence change replaces arginine, which is basic and polar, with cysteine, which is neutral and slightly polar, at codon 282 of the NUS1 protein (p.Arg282Cys). This variant is present in population databases (rs150953098, gnomAD 0.02%). This variant has not been reported in the literature in individuals affected with NUS1-related conditions. ClinVar contains an entry for this variant (Variation ID: 1488415). An algorithm developed to predict the effect of missense changes on protein structure and function outputs the following: PolyPhen-2: "Benign". The cysteine amino acid residue is found in multiple mammalian species, which suggests that this missense change does not adversely affect protein function. Algorithms developed to predict the effect of sequence changes on RNA splicing suggest that this variant may disrupt the consensus splice site. In summary, the available evidence is currently insufficient to determine the role of this variant in disease. Therefore, it has been classified as a Variant of Uncertain Significance.

PreventionGenetics, part of Exact Sciences
Classification: Uncertain significance for NUS1-related condition. Last evaluated: 2025-02-27. Review status: criteria provided, single submitter. Criteria: ACMG Guidelines, 2015. Collection method: clinical testing. Allele origin: germline.
Comment: The NUS1 c.844C>T variant is predicted to result in the amino acid substitution p.Arg282Cys. This variant was reported in a patient with sporadic Parkinson's disease (Chen et al. 2020. PubMed ID: 31582230). This variant is reported in 0.024% of alleles in individuals of African descent in gnomAD. At this time, the clinical significance of this variant is uncertain due to the absence of conclusive functional and genetic evidence.

Ambry Genetics
Classification: Uncertain significance for Inborn genetic diseases. Last evaluated: 2022-01-28. Review status: criteria provided, single submitter. Criteria: Ambry Variant Classification Scheme 2023. Collection method: clinical testing. Allele origin: germline.

Breakthrough Genomics
Classification: Uncertain significance. Review status: criteria provided, single submitter. Criteria: ACMG Guidelines, 2015. Collection method: not provided. Allele origin: germline. Inheritance: Autosomal recessive inheritance. Affected: yes.